The following is an entry in ClinVar:

ClinVar aggregate classification (germline): Uncertain significance (1 of 4 stars; one submission).

Conditions:
Very long chain acyl-CoA dehydrogenase deficiency (ACADVLD). Also called: Very Long-Chain Acyl-Coenzyme A Dehydrogenase Deficiency; VLCAD Deficiency. Identifiers: Orphanet 26793, MedGen C3887523, MONDO:0008723, OMIM 201475.

gnomAD v4.1: 4 of 1,613,962 alleles (0.00025%); highest among the groups gnomAD compares: South Asian, 0.0011%; no homozygotes.

Submission:

Labcorp Genetics (formerly Invitae), Labcorp
Classification: Uncertain significance for Very long chain acyl-CoA dehydrogenase deficiency. Last evaluated: 2025-02-18. Review status: criteria provided, single submitter. Criteria: Invitae Variant Classification Sherloc (09022015). Collection method: clinical testing. Allele origin: germline.
Comment: This sequence change replaces alanine, which is neutral and non-polar, with serine, which is neutral and polar, at codon 141 of the ACADVL protein (p.Ala141Ser). This variant is present in population databases (no rsID available, gnomAD 0.003%). This variant has not been reported in the literature in individuals affected with ACADVL-related conditions. Invitae Evidence Modeling of protein sequence and biophysical properties (such as structural, functional, and spatial information, amino acid conservation, physicochemical variation, residue mobility, and thermodynamic stability) indicates that this missense variant is not expected to disrupt ACADVL protein function with a negative predictive value of 80%. In summary, the available evidence is currently insufficient to determine the role of this variant in disease. Therefore, it has been classified as a Variant of Uncertain Significance.

NM_000018.4(ACADVL):c.421G>T (p.Ala141Ser)

Gene: ACADVL (acyl-CoA dehydrogenase very long chain; plus strand). Cytogenetic location: 17p13.1.
Variant type: single nucleotide variant.
Coding change: c.421G>T on transcript NM_000018.4 (MANE Select); coding-DNA position 421, G replaced by T.
Protein change: p.Ala141Ser; replaces alanine 141 with serine.
Molecular consequence: missense variant.
Genome position (GRCh38, 1-based): chr17:7,221,002, G>T. VCF-style: chr17-7221002-G-T. GRCh37 (hg19) VCF-style: chr17-7124321-G-T.
Other names: c.355G>T, p.Ala119Ser (NM_001033859.3); c.490G>T, p.Ala164Ser (NM_001270447.2); c.193G>T, p.Ala65Ser (NM_001270448.2); short protein forms A164S, A141S, A65S, A119S.
Identifiers: ClinVar variation 3669318 (VCV003669318.2).